The following is an entry in ClinVar:

NM_012330.4(KAT6B):c.3250G>A (p.Glu1084Lys)

Gene: KAT6B (lysine acetyltransferase 6B; plus strand). Cytogenetic location: 10q22.2.
Variant type: single nucleotide variant.
Coding change: c.3250G>A on transcript NM_012330.4 (MANE Select); coding-DNA position 3250, G replaced by A.
Protein change: p.Glu1084Lys; replaces glutamic acid 1084 with lysine.
Molecular consequence: missense variant.
Genome position (GRCh38, 1-based): chr10:75,022,109, G>A. VCF-style: chr10-75022109-G-A. GRCh37 (hg19) VCF-style: chr10-76781867-G-A.
Other names: c.3250G>A, p.Glu1084Lys (NM_001370137.1, NM_001370136.1); c.2701G>A, p.Glu901Lys (NM_001370138.1, NM_001256468.2); c.2374G>A, p.Glu792Lys (NM_001370139.1, NM_001370140.1, NM_001370141.1 and 2 more transcripts); c.2185G>A, p.Glu729Lys (NM_001370143.1, NM_001370144.1); c.2212G>A, p.Glu738Lys (NM_001370132.1); c.1561G>A, p.Glu521Lys (NM_001370133.1); c.1165G>A, p.Glu389Lys (NM_001370134.1); c.907G>A, p.Glu303Lys (NM_001370135.1); short protein forms E738K, E1084K, E389K, E792K, E901K, E729K, E303K, E521K.
Identifiers: ClinVar variation 3631684 (VCV003631684.2).

ClinVar aggregate classification (germline): Uncertain significance (1 of 4 stars; one submission).

Conditions:
Genitopatellar syndrome (GTPTS). Also called: ABSENT PATELLAE, SCROTAL HYPOPLASIA, RENAL ANOMALIES, FACIAL DYSMORPHISM, AND MENTAL RETARDATION; Genitopatellar syndrome (GPS). Identifiers: Orphanet 85201, MedGen C1853566, MONDO:0011640, OMIM 606170.

gnomAD v4.1: 1 of 1,610,532 alleles (0.000062%); highest among the groups gnomAD compares: Non-Finnish European, 0.000085%; no homozygotes.

Submission:

Labcorp Genetics (formerly Invitae), Labcorp
Classification: Uncertain significance for Genitopatellar syndrome. Last evaluated: 2024-12-23. Review status: criteria provided, single submitter. Criteria: Invitae Variant Classification Sherloc (09022015). Collection method: clinical testing. Allele origin: germline.
Comment: This sequence change replaces glutamic acid, which is acidic and polar, with lysine, which is basic and polar, at codon 1084 of the KAT6B protein (p.Glu1084Lys). This variant is not present in population databases (gnomAD no frequency). This variant has not been reported in the literature in individuals affected with KAT6B-related conditions. An algorithm developed to predict the effect of missense changes on protein structure and function (PolyPhen-2) suggests that this variant is likely to be tolerated. In summary, the available evidence is currently insufficient to determine the role of this variant in disease. Therefore, it has been classified as a Variant of Uncertain Significance.